The following is an entry in ClinVar:

NM_015378.4(VPS13D):c.2131C>T (p.Leu711=)

Gene: VPS13D (vacuolar protein sorting 13 homolog D; plus strand). Cytogenetic location: 1p36.22.
Variant type: single nucleotide variant.
Coding change: c.2131C>T on transcript NM_015378.4 (MANE Select); coding-DNA position 2131, C replaced by T.
Protein change: p.Leu711=; no amino-acid change (leucine 711 retained).
Molecular consequence: synonymous variant.
Genome position (GRCh38, 1-based): chr1:12,273,030, C>T. VCF-style: chr1-12273030-C-T. GRCh37 (hg19) VCF-style: chr1-12333087-C-T.
Other names: p.Leu711=; c.2131C>T, p.Leu711= (NM_018156.4).
Identifiers: ClinVar variation 789691 (VCV000789691.14), dbSNP rs72864999, ClinGen allele CA601755.
Genomic context (GRCh38, chr1:12,273,030, plus strand): 5'-CAGTTATGGTTAATGACTGTTTTATTTGTACAGGAGGAGAGTAAACGATGGACCGTGCGG[C>T]TGGATATTTCTGCCCCTCAGGTGATATTTCCTGATGATTTCAAATTCAAGAATCCTGTGT-3'
Protein context (NP_056193.2, residues 701-721): IEESKRWTVR[Leu711=]DISAPQVIFP

ClinVar aggregate classification (germline): Benign. Review status: criteria provided, multiple submitters, no conflicts (2 of 4 stars). 4 submissions from 4 submitters: Benign (3). 1 of the submissions does not count toward it. Last evaluated 2026-01-27.

Conditions:
VPS13D-related disorder. Also called: VPS13D-related condition.

Allele frequency attached by ClinVar (database versions not stated): gnomAD exomes 0.00085 and 0.00218; ExAC 0.00254; ESP Exome Variant Server 0.00792; gnomAD 0.00887 and 0.00937; TOPMed 0.01001; 1000 Genomes Project 0.01118; 1000 Genomes Project 30x 0.01140.

Submissions (4):

Labcorp Genetics (formerly Invitae), Labcorp
Classification: Benign. Last evaluated: 2026-01-27. Review status: criteria provided, single submitter. Criteria: Invitae Variant Classification Sherloc (09022015). Collection method: clinical testing. Allele origin: germline.

Mayo Clinic Laboratories, Mayo Clinic
Classification: Benign. Last evaluated: 2024-09-23. Review status: criteria provided, single submitter. Criteria: ACMG Guidelines, 2015. Collection method: clinical testing. Allele origin: germline. Observed: 4 variant alleles.
Comment: BA1, BP4, BP7

Breakthrough Genomics
Classification: Benign. Review status: criteria provided, single submitter. Criteria: ACMG Guidelines, 2015. Collection method: not provided. Allele origin: germline. Inheritance: Autosomal recessive inheritance. Affected: yes.

PreventionGenetics, part of Exact Sciences
Classification: Benign for VPS13D-related condition. Last evaluated: 2019-02-26. Review status: no assertion criteria provided. Collection method: clinical testing. Allele origin: germline. Not counted in ClinVar's aggregate classification.
Comment: This variant is classified as benign based on ACMG/AMP sequence variant interpretation guidelines (Richards et al. 2015 PMID: 25741868, with internal and published modifications).